The following is an entry in ClinVar:

NM_000317.3(PTS):c.146A>G (p.His49Arg)

Genes: PTS (6-pyruvoyltetrahydropterin synthase; plus strand), TEX12 (testis expressed 12; plus strand). Cytogenetic location: 11q23.1.
Variant type: single nucleotide variant.
Coding change: c.146A>G on transcript NM_000317.3 (MANE Select); coding-DNA position 146, A replaced by G.
Protein change: p.His49Arg; replaces histidine 49 with arginine.
Molecular consequence: missense variant.
Genome position (GRCh38, 1-based): chr11:112,228,656, A>G. VCF-style: chr11-112228656-A-G. GRCh37 (hg19) VCF-style: chr11-112099379-A-G.
Other names: short protein forms H49R.
Identifiers: ClinVar variation 558152 (VCV000558152.18), dbSNP rs750229518, ClinGen allele CA6278477.

ClinVar aggregate classification (germline): Pathogenic/Likely pathogenic. Review status: criteria provided, multiple submitters, no conflicts (2 of 4 stars). 6 submissions from 6 submitters: Pathogenic (2); Likely pathogenic (3). 1 of the submissions does not count toward it. Last evaluated 2025-09-12.

Conditions:
6-Pyruvoyl-tetrahydrobiopterin synthase deficiency. Also called: 6-Pyruvoyltetrahydropterin Synthase Deficiency; PTS DEFICIENCY; HYPERPHENYLALANINEMIA, TETRAHYDROBIOPTERIN-DEFICIENT, DUE TO PTS DEFICIENCY; PTS-Related Tetrahydrobiopterin Deficiency; BH4-deficient hyperphenylalaninemia A; Hyperphenylalanemia, BH4-deficient, A. Identifiers: Orphanet 13, Orphanet 238583, MedGen C0878676, MONDO:0009863, OMIM 261640.

Allele frequency attached by ClinVar (database versions not stated): gnomAD exomes 0.00001; TOPMed 0.00001.
gnomAD v4.1: 8 of 1,612,374 alleles (0.0005%); highest among the groups gnomAD compares: South Asian, 0.0044%; no homozygotes.

Submissions (6):

Natera, Inc.
Classification: Likely pathogenic for 6-Pyruvoyl-tetrahydrobiopterin synthase deficiency. Last evaluated: 2025-09-12. Review status: criteria provided, single submitter. Criteria: Natera Variant Classification Schema (03/2026). Collection method: clinical testing. Allele origin: germline.
Comment: The c.146A>G variant in PTS is a missense variant predicted to cause substitution of histidine to arginine at amino acid 49. This variant is rare in the general population with a frequency below the threshold expected for the associated phenotype(s). This variant has been observed in one or more individuals affected with the associated recessive disease, as either homozygous or compound heterozygous with a second variant (PMID: 20059486, 32651154, 33822819). Computational prediction algorithms indicate this variant is likely to affect gene or protein function. Given the available evidence, this variant is classified as Likely Pathogenic.

Labcorp Genetics (formerly Invitae), Labcorp
Classification: Pathogenic for 6-Pyruvoyl-tetrahydrobiopterin synthase deficiency. Last evaluated: 2024-02-16. Review status: criteria provided, single submitter. Criteria: Invitae Variant Classification Sherloc (09022015). Collection method: clinical testing. Allele origin: germline.
Comment: This sequence change replaces histidine, which is basic and polar, with arginine, which is basic and polar, at codon 49 of the PTS protein (p.His49Arg). This variant is present in population databases (rs750229518, gnomAD 0.01%). This missense change has been observed in individual(s) with 6-pyruvoyl-tetrahydropterin synthase deficiency and/or biopterin-deficient hyperphenylalaninemia (PMID: 20059486, 31332730, 33234470). In at least one individual the data is consistent with being in trans (on the opposite chromosome) from a pathogenic variant. ClinVar contains an entry for this variant (Variation ID: 558152). An algorithm developed to predict the effect of missense changes on protein structure and function (PolyPhen-2) suggests that this variant is likely to be disruptive. This variant disrupts the p.His49 amino acid residue in PTS. Other variant(s) that disrupt this residue have been observed in individuals with PTS-related conditions (PMID: 19830588), which suggests that this may be a clinically significant amino acid residue. For these reasons, this variant has been classified as Pathogenic.

Women's Health and Genetics/Laboratory Corporation of America, LabCorp
Classification: Likely pathogenic for 6-Pyruvoyl-tetrahydrobiopterin synthase deficiency. Last evaluated: 2022-12-15. Review status: criteria provided, single submitter. Criteria: LabCorp Variant Classification Summary - May 2015. Collection method: clinical testing. Allele origin: germline.
Comment: Variant summary: PTS c.146A>G (p.His49Arg) results in a non-conservative amino acid change located in the 6-pyruvoyl tetrahydropterin synthase, cysteine active site (IPR022470), affecting a Zn2+ binding site (UniProt) in the encoded protein sequence. Five of five in-silico tools predict a damaging effect of the variant on protein function. The variant allele was found at a frequency of 1.6e-05 in 250414 control chromosomes (gnomAD). c.146A>G has been reported in the literature in multiple compound heterozygous individuals affected with 6-Pyruvoyl-Tetrahydropterin Synthase Deficiency (Leuzzi_2009, Manti_2020, Manzoni_2020, Kuznetcova_2019, Gundorova_2021), where at least one individual had PTS enzyme deficiency, as measured in patient derived cells (Manzoni_2020). These data indicate that the variant is likely to be associated with disease. To our knowledge, no experimental evidence demonstrating an impact on protein function has been reported. Four clinical diagnostic laboratories have submitted clinical-significance assessments for this variant to ClinVar after 2014 without evidence for independent evaluation. Based on the evidence outlined above, the variant was classified as likely pathogenic.

Genome-Nilou Lab
Classification: Likely pathogenic for 6-Pyruvoyl-tetrahydrobiopterin synthase deficiency. Last evaluated: 2021-09-05. Review status: criteria provided, single submitter. Criteria: ACMG Guidelines, 2015. Collection method: clinical testing. Allele origin: germline. Affected: no.

Mendelics
Classification: Pathogenic. Last evaluated: 2019-05-28. Review status: criteria provided, single submitter. Criteria: Mendelics Assertion Criteria 2017. Collection method: clinical testing. Allele origin: unknown.

Counsyl
Classification: Uncertain significance for 6-Pyruvoyl-tetrahydrobiopterin synthase deficiency. Last evaluated: 2018-05-02. Review status: no assertion criteria provided. Collection method: clinical testing. Allele origin: unknown. Not counted in ClinVar's aggregate classification.

Literature cited by the submitters: PubMed 20059486 (cited by 4 submitters); PubMed 32651154 (cited by Natera, Inc. and Women's Health and Genetics/Laboratory Corporation of America, LabCorp); PubMed 33822819 (cited by Natera, Inc. and Women's Health and Genetics/Laboratory Corporation of America, LabCorp); PubMed 31332730 (cited by Labcorp Genetics (formerly Invitae), Labcorp and Women's Health and Genetics/Laboratory Corporation of America, LabCorp); PubMed 33234470 (cited by Labcorp Genetics (formerly Invitae), Labcorp and Women's Health and Genetics/Laboratory Corporation of America, LabCorp); PubMed 19830588 (cited by Labcorp Genetics (formerly Invitae), Labcorp); PubMed 7563095 (cited by Counsyl).